The following is an entry in ClinVar:

NM_005732.4(RAD50):c.749C>T (p.Pro250Leu)

Gene: RAD50 (RAD50 double strand break repair protein; plus strand). Cytogenetic location: 5q31.1.
Variant type: single nucleotide variant.
Coding change: c.749C>T on transcript NM_005732.4 (MANE Select); coding-DNA position 749, C replaced by T.
Protein change: p.Pro250Leu; replaces proline 250 with leucine.
Molecular consequence: missense variant.
Genome position (GRCh38, 1-based): chr5:132,580,059, C>T. VCF-style: chr5-132580059-C-T. GRCh37 (hg19) VCF-style: chr5-131915751-C-T.
Other names: short protein forms P250L.
Identifiers: ClinVar variation 230205 (VCV000230205.15), dbSNP rs876658448, ClinGen allele CA10578497.

ClinVar aggregate classification (germline): Uncertain significance. Review status: criteria provided, multiple submitters, no conflicts (2 of 4 stars). 2 submissions from 2 submitters: Uncertain significance (2). Last evaluated 2025-06-16.

Conditions:
Hereditary cancer-predisposing syndrome. Also called: Hereditary neoplastic syndrome; Hereditary Cancer Syndrome; Neoplastic Syndromes, Hereditary; Tumor predisposition. Identifiers: Orphanet 140162, MedGen C0027672, MeSH D009386, MONDO:0015356.

Allele frequency attached by ClinVar (database versions not stated): gnomAD exomes below 0.00001 and 0.00002; gnomAD 0.00003; TOPMed 0.00003.

Submissions (2):

Labcorp Genetics (formerly Invitae), Labcorp
Classification: Uncertain significance for Hereditary cancer-predisposing syndrome. Last evaluated: 2025-06-16. Review status: criteria provided, single submitter. Criteria: Invitae Variant Classification Sherloc (09022015). Collection method: clinical testing. Allele origin: germline.
Comment: This sequence change replaces proline, which is neutral and non-polar, with leucine, which is neutral and non-polar, at codon 250 of the RAD50 protein (p.Pro250Leu). This variant is present in population databases (no rsID available, gnomAD 0.0009%). This variant has not been reported in the literature in individuals affected with RAD50-related conditions. ClinVar contains an entry for this variant (Variation ID: 230205). Invitae Evidence Modeling of protein sequence and biophysical properties (such as structural, functional, and spatial information, amino acid conservation, physicochemical variation, residue mobility, and thermodynamic stability) indicates that this missense variant is expected to disrupt RAD50 protein function with a positive predictive value of 80%. In summary, the available evidence is currently insufficient to determine the role of this variant in disease. Therefore, it has been classified as a Variant of Uncertain Significance.

Ambry Genetics
Classification: Uncertain significance for Hereditary cancer-predisposing syndrome. Last evaluated: 2023-10-20. Review status: criteria provided, single submitter. Criteria: Ambry Variant Classification Scheme 2023. Collection method: clinical testing. Allele origin: germline.
Comment: The p.P250L variant (also known as c.749C>T), located in coding exon 5 of the RAD50 gene, results from a C to T substitution at nucleotide position 749. The proline at codon 250 is replaced by leucine, an amino acid with similar properties. This amino acid position is highly conserved in available vertebrate species. In addition, the in silico prediction for this alteration is inconclusive. Since supporting evidence is limited at this time, the clinical significance of this alteration remains unclear.